The following is an entry in ClinVar:

ClinVar aggregate classification (germline): Likely pathogenic (1 of 4 stars; one submission).

Submission:

Labcorp Genetics (formerly Invitae), Labcorp
Classification: Likely pathogenic. Last evaluated: 2023-10-04. Review status: criteria provided, single submitter. Criteria: Invitae Variant Classification Sherloc (09022015). Collection method: clinical testing. Allele origin: unknown.
Comment: This variant results in a copy number gain of the genomic region encompassing exon(s) 22-29 of the UBR1 gene. While the exact position of this variant cannot be determined from the data, sub-genic copy number gains are generally in tandem (PMID: 25640679). This variant is predicted to be out-of-frame, and may result in an absent or disrupted protein product. Loss-of-function variants in UBR1 are known to be pathogenic (PMID: 24599544). This variant has not been reported in the literature in individuals affected with UBR1-related conditions. In summary, the currently available evidence indicates that the variant is pathogenic, but additional data are needed to prove that conclusively. Therefore, this variant has been classified as Likely Pathogenic.

Literature cited by the submitters: PubMed 25640679; PubMed 24599544.

NC_000015.9:g.(?_43307866)_(43320046_?)dup

Gene: UBR1 (ubiquitin protein ligase E3 component n-recognin 1; minus strand). Cytogenetic location: 15q15.2.
Variant type: Duplication.
Identifiers: ClinVar variation 3243927 (VCV003243927.1).